The following is an entry in ClinVar:

ClinVar aggregate classification (germline): Uncertain significance. Review status: criteria provided, multiple submitters, no conflicts (2 of 4 stars). 4 submissions from 4 submitters: Uncertain significance (4). Last evaluated 2026-01-26.

Conditions:
Dilated cardiomyopathy 1G (CMD1G). Identifiers: Orphanet 154, MedGen C1858763, MONDO:0011400, OMIM 604145.
Autosomal recessive limb-girdle muscular dystrophy type 2J (LGMDR10). Also called: Limb-girdle muscular dystrophy, type 2J; MUSCULAR DYSTROPHY, LIMB-GIRDLE, AUTOSOMAL RECESSIVE 10. Identifiers: Orphanet 140922, MedGen C1837342, MONDO:0012127, OMIM 608807.
Primary dilated cardiomyopathy (DCM). Also called: Dilated Cardiomyopathy. Identifiers: Orphanet 217604, MedGen C0007193, MeSH D002311, MONDO:0005021, HP:0001644. Inheritance: Various modes of inheritance.

Allele frequency attached by ClinVar (database versions not stated): gnomAD exomes 0.00002; ExAC 0.00003; gnomAD 0.00005; TOPMed 0.00005; ESP Exome Variant Server 0.00017.
gnomAD v4.1: 46 of 1,611,248 alleles (0.0029%); highest among the groups gnomAD compares: Non-Finnish European, 0.0033%; no homozygotes.

Submissions (4):

Labcorp Genetics (formerly Invitae), Labcorp
Classification: Uncertain significance for Dilated cardiomyopathy 1G; Autosomal recessive limb-girdle muscular dystrophy type 2J. Last evaluated: 2026-01-26. Review status: criteria provided, single submitter. Criteria: Invitae Variant Classification Sherloc (09022015). Collection method: clinical testing. Allele origin: germline.
Comment: This sequence change affects codon 10588 of the TTN mRNA. It is a 'silent' change, meaning that it does not change the encoded amino acid sequence of the TTN protein. This variant also falls at the last nucleotide of exon 121, which is part of the consensus splice site for this exon. This variant is present in population databases (rs372371333, gnomAD 0.005%). This variant has not been reported in the literature in individuals affected with TTN-related conditions. ClinVar contains an entry for this variant (Variation ID: 223361). Experimental studies and prediction algorithms are not available or were not evaluated, and the functional significance of this variant is currently unknown. Variants that disrupt the consensus splice site are a relatively common cause of aberrant splicing (PMID: 17576681, 9536098). Algorithms developed to predict the effect of sequence changes on RNA splicing suggest that this variant may disrupt the consensus splice site. This variant is located in the I band of TTN (PMID: 25589632). Non-truncating variants in this region may be clinically relevant, but have not been definitively shown to cause cardiomyopathy or neuromuscular disease (PMID: 27493940, 32778822). In summary, the available evidence is currently insufficient to determine the role of this variant in disease. Therefore, it has been classified as a Variant of Uncertain Significance.

GeneDx
Classification: Uncertain significance. Last evaluated: 2025-08-11. Review status: criteria provided, single submitter. Criteria: GeneDx Variant Classification Process June 2021. Collection method: clinical testing. Allele origin: germline. Affected: yes.
Comment: Not observed at significant frequency in large population cohorts (gnomAD); Has not been previously published as pathogenic or benign to our knowledge; In silico analysis is inconclusive as to whether the variant alters gene splicing. In the absence of RNA/functional studies, the actual effect of this sequence change is unknown.

Revvity Omics, Revvity
Classification: Uncertain significance. Last evaluated: 2022-10-17. Review status: criteria provided, single submitter. Criteria: ACMG Guidelines, 2015. Collection method: clinical testing. Allele origin: germline.

Cardiovascular Biomedical Research Unit, Royal Brompton & Harefield NHS Foundation Trust
Classification: Uncertain significance for Primary dilated cardiomyopathy. Last evaluated: 2014-10-08. Review status: criteria provided, single submitter. Criteria: Roberts et al. 2015. Collection method: research. Allele origin: germline. Inheritance: Autosomal dominant inheritance. Affected: no. Observed: 1 variant allele. Study: WHI cohort.
Comment: In the seven cohorts assessed, TTNtv were found in 14% of ambulant DCM, 22% end-stage or familial DCM, and 2% controls. Heterozygous nonsense, frameshift and canonical splice-disrupting variants found in constitutive and other highly utilised exons are highly likely to be pathogenic when identified in individuals with phenotypically confirmed DCM. TTNtv found incidentally in healthy individuals (excluding familial assessment of DCM relatives) are thought to have low penetrance, particularly when identified in exons that are not constitutively expressed in the heart.

Literature cited by the submitters: PubMed 17576681 (cited by Labcorp Genetics (formerly Invitae), Labcorp); PubMed 9536098 (cited by Labcorp Genetics (formerly Invitae), Labcorp); PubMed 25589632 (cited by Labcorp Genetics (formerly Invitae), Labcorp); PubMed 27493940 (cited by Labcorp Genetics (formerly Invitae), Labcorp); PubMed 32778822 (cited by Labcorp Genetics (formerly Invitae), Labcorp).

NM_001267550.2(TTN):c.31762G>A (p.Val10588Ile)

Gene: TTN (titin; minus strand). Cytogenetic location: 2q31.2.
Variant type: single nucleotide variant.
Coding change: c.31762G>A on transcript NM_001267550.2 (MANE Select); coding-DNA position 31762, G replaced by A.
Protein change: p.Val10588Ile; replaces valine 10588 with isoleucine.
Molecular consequence: missense variant. On other transcripts: intron variant (3).
Genome position (GRCh38, 1-based): chr2:178,692,016, C>T on the plus strand (G>A on the coding strand, the complement: TTN is on the minus strand). VCF-style: chr2-178692016-C-T. GRCh37 (hg19) VCF-style: chr2-179556743-C-T.
Other names: c.30811G>A, p.Val10271Ile (NM_001256850.1); c.28030G>A, p.Val9344Ile (NM_133378.4); c.13282+46066G>A (NM_003319.4); c.13858+46066G>A (NM_133437.4); c.13657+46066G>A (NM_133432.3); c.31762G>A (LRG_391t1, NM_001267550.1); short protein forms V10588I, V9344I, V10271I.
Identifiers: ClinVar variation 223361 (VCV000223361.11), dbSNP rs372371333, ClinGen allele CA089850.